The following is an entry in ClinVar:

NM_000553.6(WRN):c.659G>T (p.Gly220Val)

Gene: WRN (WRN RecQ like helicase; plus strand). Cytogenetic location: 8p12.
Variant type: single nucleotide variant.
Coding change: c.659G>T on transcript NM_000553.6 (MANE Select); coding-DNA position 659, G replaced by T.
Protein change: p.Gly220Val; replaces glycine 220 with valine.
Molecular consequence: missense variant.
Genome position (GRCh38, 1-based): chr8:31,068,262, G>T. VCF-style: chr8-31068262-G-T. GRCh37 (hg19) VCF-style: chr8-30925778-G-T.
Other names: short protein forms G220V.
Identifiers: ClinVar variation 2864310 (VCV002864310.3), dbSNP rs2535889348, ClinGen allele CA370916874.

ClinVar aggregate classification (germline): Uncertain significance (1 of 4 stars; one submission).

Conditions:
Werner syndrome (WRN). Identifiers: Orphanet 902, MedGen C0043119, MONDO:0010196, OMIM 277700.

Submission:

Labcorp Genetics (formerly Invitae), Labcorp
Classification: Uncertain significance for Werner syndrome. Last evaluated: 2025-06-17. Review status: criteria provided, single submitter. Criteria: Invitae Variant Classification Sherloc (09022015). Collection method: clinical testing. Allele origin: germline.
Comment: This sequence change replaces glycine, which is neutral and non-polar, with valine, which is neutral and non-polar, at codon 220 of the WRN protein (p.Gly220Val). This variant is not present in population databases (gnomAD no frequency). This variant has not been reported in the literature in individuals affected with WRN-related conditions. ClinVar contains an entry for this variant (Variation ID: 2864310). An algorithm developed to predict the effect of missense changes on protein structure and function (PolyPhen-2) suggests that this variant is likely to be disruptive. In summary, the available evidence is currently insufficient to determine the role of this variant in disease. Therefore, it has been classified as a Variant of Uncertain Significance.